The following is an entry in ClinVar:

NM_017912.4(HERC6):c.2233A>C (p.Met745Leu)

Genes: HERC5-AS1 (HERC5 and HERC6 antisense RNA 1; minus strand), HERC6 (HECT and RLD domain containing E3 ubiquitin protein ligase family member 6; plus strand). Cytogenetic location: 4q22.1.
Variant type: single nucleotide variant.
Coding change: c.2233A>C on transcript NM_017912.4 (MANE Select); coding-DNA position 2233, A replaced by C.
Protein change: p.Met745Leu; replaces methionine 745 with leucine.
Molecular consequence: missense variant.
Genome position (GRCh38, 1-based): chr4:88,431,288, A>C. VCF-style: chr4-88431288-A-C. GRCh37 (hg19) VCF-style: chr4-89352440-A-C.
Other names: c.2125A>C, p.Met709Leu (NM_001165136.2); short protein forms M709L, M745L.
Identifiers: ClinVar variation 2654939 (VCV002654939.24), dbSNP rs150287504, ClinGen allele CA3005991.

ClinVar aggregate classification (germline): Likely benign (1 of 4 stars; one submission).

Allele frequency attached by ClinVar (database versions not stated): 1000 Genomes Project 30x 0.00172; 1000 Genomes Project 0.00180; ESP Exome Variant Server 0.00409; TOPMed 0.00411; gnomAD 0.00551; ExAC 0.00553; gnomAD exomes 0.00651.
gnomAD v4.1: 10,098 of 1,594,716 alleles (0.63%); highest among the groups gnomAD compares: Non-Finnish European, 0.72%; 44 homozygotes.

Submission:

CeGaT Center for Human Genetics Tuebingen
Classification: Likely benign. Last evaluated: 2023-04-01. Review status: criteria provided, single submitter. Criteria: CeGaT Center For Human Genetics Tuebingen Variant Classification Criteria Version 2. Collection method: clinical testing. Allele origin: germline. Affected: yes. Observed: 1 variant allele.
Comment: HERC6: BP4, BS2